The following is an entry in ClinVar:

ClinVar aggregate classification (germline): Pathogenic/Likely pathogenic. Review status: criteria provided, multiple submitters, no conflicts (2 of 4 stars). 2 submissions from 2 submitters: Pathogenic (1); Likely pathogenic (1). Last evaluated 2023-09-05.

Conditions:
SPG11-related disorder. Also called: SPG11-related condition.
Hereditary spastic paraplegia 11. Also called: SPASTIC PARAPLEGIA, AUTOSOMAL RECESSIVE, COMPLICATED, WITH THIN CORPUS CALLOSUM; SPASTIC PARAPLEGIA, AUTOSOMAL RECESSIVE, WITH MENTAL IMPAIRMENT AND THIN CORPUS CALLOSUM; Nakamura Osame syndrome; Autosomal recessive hereditary spastic paraplegia, mental impairment, and thin corpus callosum; Spastic Paraplegia 11; Spastic paraplegia, mental retardation and thin corpus callosum. Identifiers: Orphanet 2822, MedGen C1858479, MONDO:0011445, OMIM 604360.

Allele frequency attached by ClinVar (database versions not stated): gnomAD 0.00001.

Submissions (2):

Labcorp Genetics (formerly Invitae), Labcorp
Classification: Pathogenic for Hereditary spastic paraplegia 11. Last evaluated: 2023-09-05. Review status: criteria provided, single submitter. Criteria: Invitae Variant Classification Sherloc (09022015). Collection method: clinical testing. Allele origin: germline.
Comment: This sequence change creates a premature translational stop signal (p.Arg48Profs*47) in the SPG11 gene. It is expected to result in an absent or disrupted protein product. Loss-of-function variants in SPG11 are known to be pathogenic (PMID: 19105190, 20110243, 22154821, 26556829). This variant is present in population databases (no rsID available, gnomAD 0.06%). This variant has not been reported in the literature in individuals affected with SPG11-related conditions. For these reasons, this variant has been classified as Pathogenic.

Blueprint Genetics
Classification: Likely pathogenic for SPG11-related disorders. Last evaluated: 2019-09-10. Review status: criteria provided, single submitter. Criteria: ACMG Guidelines, 2015. Collection method: clinical testing. Allele origin: germline. Affected: yes. Observed: 1 variant allele.

Literature cited by the submitters: PubMed 19105190 (cited by Labcorp Genetics (formerly Invitae), Labcorp); PubMed 20110243 (cited by Labcorp Genetics (formerly Invitae), Labcorp); PubMed 22154821 (cited by Labcorp Genetics (formerly Invitae), Labcorp); PubMed 26556829 (cited by Labcorp Genetics (formerly Invitae), Labcorp).

NM_025137.4(SPG11):c.142dup (p.Arg48fs)

Gene: SPG11 (SPG11 vesicle trafficking associated, spatacsin; minus strand). Cytogenetic location: 15q21.1.
Variant type: Duplication.
Coding change: c.142dup on transcript NM_025137.4 (MANE Select); coding-DNA position 142, one base duplicated (C; older notation c.142dupC).
Protein change: p.Arg48fs; shifts the reading frame from arginine 48.
Molecular consequence: frameshift variant.
Genome position (GRCh38, 1-based): chr15:44,663,506, G duplicated on the plus strand (C on the coding strand, the reverse complement: SPG11 is on the minus strand). VCF-style (leftmost placement, unchanged base first): chr15-44663505-C-CG. GRCh37 (hg19) VCF-style: chr15-44955703-C-CG.
Other names: c.142dup, p.Arg48fs (NM_001160227.2, NM_001411132.1); short protein forms R48fs.
Identifiers: ClinVar variation 2899274 (VCV002899274.4), dbSNP rs1204013415, ClinGen allele CA618006387.